The following is an entry in ClinVar:

NC_000006.11:g.(?_162622143)_(162622304_?)dup

Gene: PRKN (parkin RBR E3 ubiquitin protein ligase; minus strand). Cytogenetic location: 6q26.
Variant type: Duplication.
Identifiers: ClinVar variation 1064176 (VCV001064176.5).

ClinVar aggregate classification (germline): Likely pathogenic (1 of 4 stars; one submission).

Submission:

Labcorp Genetics (formerly Invitae), Labcorp
Classification: Likely pathogenic. Last evaluated: 2021-11-21. Review status: criteria provided, single submitter. Criteria: Invitae Variant Classification Sherloc (09022015). Collection method: clinical testing. Allele origin: germline.
Comment: In summary, the currently available evidence indicates that the variant is pathogenic, but additional data are needed to prove that conclusively. Therefore, this variant has been classified as Likely Pathogenic. A similar copy number variant has been observed in individual(s) with Parkinson disease (PMID: 17994548, 30692050). This variant results in a copy number gain of the genomic region encompassing exon(s) 4 of the PRKN gene. While the exact position of this variant cannot be determined from the data, sub-genic copy number gains are generally in tandem (PMID: 25640679). This variant is predicted to be out-of-frame, and may result in an absent or disrupted protein product. Loss-of-function variants in PRKN are known to be pathogenic (PMID: 10072423, 20301651, 22956510).

Literature cited by the submitters: PubMed 17994548; PubMed 30692050; PubMed 25640679; PubMed 10072423; PubMed 20301651; PubMed 22956510.